The following is an entry in ClinVar:

NM_002473.6(MYH9):c.173T>G (p.Leu58Arg)

Gene: MYH9 (myosin heavy chain 9; minus strand). Cytogenetic location: 22q12.3.
Variant type: single nucleotide variant.
Coding change: c.173T>G on transcript NM_002473.6 (MANE Select); coding-DNA position 173, T replaced by G.
Protein change: p.Leu58Arg; replaces leucine 58 with arginine.
Molecular consequence: missense variant.
Genome position (GRCh38, 1-based): chr22:36,349,064, A>C on the plus strand (T>G on the coding strand, the complement: MYH9 is on the minus strand). VCF-style: chr22-36349064-A-C. GRCh37 (hg19) VCF-style: chr22-36745109-A-C.
Other names: short protein forms L58R.
Identifiers: ClinVar variation 2717801 (VCV002717801.3), dbSNP rs2518022810, ClinGen allele CA411549382.

ClinVar aggregate classification (germline): Uncertain significance (1 of 4 stars; one submission).

Submission:

Labcorp Genetics (formerly Invitae), Labcorp
Classification: Uncertain significance. Last evaluated: 2023-06-16. Review status: criteria provided, single submitter. Criteria: Invitae Variant Classification Sherloc (09022015). Collection method: clinical testing. Allele origin: germline.
Comment: This variant is not present in population databases (gnomAD no frequency). This sequence change replaces leucine, which is neutral and non-polar, with arginine, which is basic and polar, at codon 58 of the MYH9 protein (p.Leu58Arg). This variant has not been reported in the literature in individuals affected with MYH9-related conditions. Advanced modeling of protein sequence and biophysical properties (such as structural, functional, and spatial information, amino acid conservation, physicochemical variation, residue mobility, and thermodynamic stability) has been performed at Invitae for this missense variant, however the output from this modeling did not meet the statistical confidence thresholds required to predict the impact of this variant on MYH9 protein function. In summary, the available evidence is currently insufficient to determine the role of this variant in disease. Therefore, it has been classified as a Variant of Uncertain Significance.